The following is an entry in ClinVar:

NM_001395656.1(ROBO2):c.1946T>C (p.Val649Ala)

Gene: ROBO2 (roundabout guidance receptor 2; plus strand). Cytogenetic location: 3p12.3.
Variant type: single nucleotide variant.
Coding change: c.1946T>C on transcript NM_001395656.1 (MANE Select); coding-DNA position 1946, T replaced by C.
Protein change: p.Val649Ala; replaces valine 649 with alanine.
Molecular consequence: missense variant.
Genome position (GRCh38, 1-based): chr3:77,568,397, T>C. VCF-style: chr3-77568397-T-C. GRCh37 (hg19) VCF-style: chr3-77617548-T-C.
Other names: c.2003T>C, p.Val668Ala (NM_001395657.1, NM_001394212.1, NM_001394214.1); c.1934T>C, p.Val645Ala (NM_002942.5, NM_001378193.1, NM_001378197.1); c.1982T>C, p.Val661Ala (NM_001128929.3); c.1946T>C, p.Val649Ala (NM_001290039.2, NM_001290040.2, NM_001378202.1); c.155T>C, p.Val52Ala (NM_001290065.2); c.1994T>C, p.Val665Ala (NM_001378190.1, NM_001378191.1, NM_001378195.1 and 4 more transcripts); c.2015T>C, p.Val672Ala (NM_001378192.1, NM_001378194.1, NM_001378198.1 and 2 more transcripts); short protein forms V52A, V645A, V649A, V661A, V672A, V665A, V668A.
Identifiers: ClinVar variation 4706594 (VCV004706594.1).

ClinVar aggregate classification (germline): Uncertain significance (1 of 4 stars; one submission).

gnomAD v4.1: 2 of 1,612,980 alleles (0.00012%); highest among the groups gnomAD compares: East Asian, 0.0045%; no homozygotes.

Submission:

Labcorp Genetics (formerly Invitae), Labcorp
Classification: Uncertain significance. Last evaluated: 2025-11-06. Review status: criteria provided, single submitter. Criteria: Invitae Variant Classification Sherloc (09022015). Collection method: clinical testing. Allele origin: germline.
Comment: This sequence change replaces valine, which is neutral and non-polar, with alanine, which is neutral and non-polar, at codon 645 of the ROBO2 protein (p.Val645Ala). This variant is not present in population databases (gnomAD no frequency). This variant has not been reported in the literature in individuals affected with ROBO2-related conditions. Invitae Evidence Modeling of protein sequence and biophysical properties (such as structural, functional, and spatial information, amino acid conservation, physicochemical variation, residue mobility, and thermodynamic stability) indicates that this missense variant is not expected to disrupt ROBO2 protein function with a negative predictive value of 95%. In summary, the available evidence is currently insufficient to determine the role of this variant in disease. Therefore, it has been classified as a Variant of Uncertain Significance.